The following is an entry in ClinVar:

NM_015087.5(SPART):c.1629A>G (p.Ala543=)

Gene: SPART (spartin; minus strand). Cytogenetic location: 13q13.3.
Variant type: single nucleotide variant.
Coding change: c.1629A>G on transcript NM_015087.5 (MANE Select); coding-DNA position 1629, A replaced by G.
Protein change: p.Ala543=; no amino-acid change (alanine 543 retained).
Molecular consequence: synonymous variant.
Genome position (GRCh38, 1-based): chr13:36,312,332, T>C on the plus strand (A>G on the coding strand, the complement: SPART is on the minus strand). VCF-style: chr13-36312332-T-C. GRCh37 (hg19) VCF-style: chr13-36886469-T-C.
Other names: p.Ala543=; c.1629A>G, p.Ala543= (NM_001142294.2, NM_001142295.2, NM_001142296.2).
Identifiers: ClinVar variation 130368 (VCV000130368.24), dbSNP rs2274293, ClinGen allele CA155284.
Genomic context (GRCh38, chr13:36,312,332, plus strand): 5'-CCAAAGCAAACGGACCTTCATAGTTAAAATTCTGGGCCCTTTGTTACCTTGAACACTACT[T>C]GCTGCTACAACCATAGCACCATCCAGAGGAGATTTCCCATCTTTGTCTTTTTTAAGAGAT-3'
Protein context (NP_055902.1, residues 533-553): SPLDGAMVVA[Ala543=]SSVQGFSTVW

ClinVar aggregate classification (germline): Benign. Review status: criteria provided, multiple submitters, no conflicts (2 of 4 stars). 7 submissions from 7 submitters: Benign (6). 1 of the submissions does not count toward it. Last evaluated 2026-02-04.

Conditions:
Hereditary spastic paraplegia. Also called: Familial spastic paraparesis. Identifiers: Orphanet 685, MedGen C0037773, MONDO:0019064. Disease mechanism: loss of function.
Troyer syndrome (SPG20). Identifiers: Orphanet 101000, MedGen C0393559, MONDO:0010156, OMIM 275900.

Allele frequency attached by ClinVar (database versions not stated): ESP Exome Variant Server 0.22505; gnomAD 0.23882 and 0.24477; TOPMed 0.24351; gnomAD exomes 0.27680 and 0.28456; ExAC 0.28211; 1000 Genomes Project 30x 0.28482; 1000 Genomes Project 0.28914.
gnomAD v4.1: 441,285 of 1,613,634 alleles (27%); highest among the groups gnomAD compares: East Asian, 50%; 62,789 homozygotes.

Submissions (7):

Labcorp Genetics (formerly Invitae), Labcorp
Classification: Benign. Last evaluated: 2026-02-04. Review status: criteria provided, single submitter. Criteria: Invitae Variant Classification Sherloc (09022015). Collection method: clinical testing. Allele origin: germline.

Illumina Laboratory Services, Illumina
Classification: Benign for Troyer syndrome. Last evaluated: 2018-01-13. Review status: criteria provided, single submitter. Criteria: ICSL Variant Classification Criteria 13 December 2019. Collection method: clinical testing. Allele origin: germline.
Comment: This variant was observed in the ICSL laboratory as part of a predisposition screen in an ostensibly healthy population. It had not been previously curated by ICSL or reported in the Human Gene Mutation Database (HGMD: prior to June 1st, 2018), and was therefore a candidate for classification through an automated scoring system. Utilizing variant allele frequency, disease prevalence and penetrance estimates, and inheritance mode, an automated score was calculated to assess if this variant is too frequent to cause the disease. Based on the score and internal cut-off values, a variant classified as benign is not then subjected to further curation. The score for this variant resulted in a classification of benign for this disease.

Genome Diagnostics Laboratory, The Hospital for Sick Children
Classification: Benign for Hereditary spastic paraplegia. Last evaluated: 2016-12-12. Review status: criteria provided, single submitter. Criteria: ACMG Guidelines, 2015. Collection method: clinical testing. Allele origin: germline. Affected: yes.

Mayo Clinic Laboratories, Mayo Clinic
Classification: Benign. Last evaluated: 2016-03-01. Review status: criteria provided, single submitter. Criteria: ACMG Guidelines, 2015. Collection method: clinical testing. Allele origin: germline. Observed: 451 variant alleles.

GeneDx
Classification: Benign. Last evaluated: 2016-02-08. Review status: criteria provided, single submitter. Criteria: GeneDx Variant Classification (06012015). Collection method: clinical testing. Allele origin: germline. Affected: yes.
Comment: This variant is considered likely benign or benign based on one or more of the following criteria: it is a conservative change, it occurs at a poorly conserved position in the protein, it is predicted to be benign by multiple in silico algorithms, and/or has population frequency not consistent with disease.

Breakthrough Genomics
Classification: Benign. Review status: criteria provided, single submitter. Criteria: ACMG Guidelines, 2015. Collection method: not provided. Allele origin: germline. Inheritance: Autosomal recessive inheritance. Affected: yes.

Genetic Services Laboratory, University of Chicago
Classification: Likely benign for AllHighlyPenetrant. Review status: no assertion criteria provided. Collection method: clinical testing. Allele origin: germline. Inheritance: Autosomal recessive inheritance. Not counted in ClinVar's aggregate classification.
Comment: Likely benign based on allele frequency in 1000 Genomes Project or ESP global frequency and its presence in a patient with a rare or unrelated disease phenotype. NOT Sanger confirmed.